The following is an entry in ClinVar:

NM_001379500.1(COL18A1):c.3073G>A (p.Gly1025Ser)

Genes: COL18A1 (collagen type XVIII alpha 1 chain; plus strand), SLC19A1 (solute carrier family 19 member 1; minus strand). Cytogenetic location: 21q22.3.
Variant type: single nucleotide variant.
Coding change: c.3073G>A on transcript NM_001379500.1 (MANE Select); coding-DNA position 3073, G replaced by A.
Protein change: p.Gly1025Ser; replaces glycine 1025 with serine.
Molecular consequence: missense variant.
Genome position (GRCh38, 1-based): chr21:45,505,417, G>A. VCF-style: chr21-45505417-G-A. GRCh37 (hg19) VCF-style: chr21-46925331-G-A.
Other names: c.3604G>A, p.Gly1202Ser (NM_030582.4); c.4309G>A, p.Gly1437Ser (NM_130444.3); short protein forms G1437S, G1202S, G1025S.
Identifiers: ClinVar variation 1431035 (VCV001431035.4), dbSNP rs766721579, ClinGen allele CA10067662.

ClinVar aggregate classification (germline): Uncertain significance. Review status: criteria provided, multiple submitters, no conflicts (2 of 4 stars). 2 submissions from 2 submitters: Uncertain significance (2). Last evaluated 2024-07-11.

Allele frequency attached by ClinVar (database versions not stated): gnomAD exomes 0.00003; TOPMed 0.00004; ExAC 0.00005; gnomAD 0.00005.
gnomAD v4.1: 197 of 1,563,696 alleles (0.013%); highest among the groups gnomAD compares: Non-Finnish European, 0.016%; no homozygotes.

Submissions (2):

Blueprint Genetics
Classification: Uncertain significance. Last evaluated: 2024-07-11. Review status: criteria provided, single submitter. Criteria: ACMG Guidelines, 2015. Collection method: clinical testing. Allele origin: germline.

Labcorp Genetics (formerly Invitae), Labcorp
Classification: Uncertain significance. Last evaluated: 2022-08-09. Review status: criteria provided, single submitter. Criteria: Invitae Variant Classification Sherloc (09022015). Collection method: clinical testing. Allele origin: germline.
Comment: This sequence change replaces glycine, which is neutral and non-polar, with serine, which is neutral and polar, at codon 1022 of the COL18A1 protein (p.Gly1022Ser). This variant is present in population databases (rs766721579, gnomAD 0.008%). This variant has not been reported in the literature in individuals affected with COL18A1-related conditions. ClinVar contains an entry for this variant (Variation ID: 1431035). Experimental studies and prediction algorithms are not available or were not evaluated, and the functional significance of this variant is currently unknown. In summary, the available evidence is currently insufficient to determine the role of this variant in disease. Therefore, it has been classified as a Variant of Uncertain Significance.